The following is an entry in ClinVar:

NM_018684.4(ZC4H2):c.298G>A (p.Glu100Lys)

Gene: ZC4H2 (zinc finger C4H2-type containing; minus strand). Cytogenetic location: Xq11.2.
Variant type: single nucleotide variant.
Coding change: c.298G>A on transcript NM_018684.4 (MANE Select); coding-DNA position 298, G replaced by A.
Protein change: p.Glu100Lys; replaces glutamic acid 100 with lysine.
Molecular consequence: missense variant. On other transcripts: non-coding transcript variant (1).
Genome position (GRCh38, 1-based): chrX:64,920,181, C>T on the plus strand (G>A on the coding strand, the complement: ZC4H2 is on the minus strand). VCF-style: chrX-64920181-C-T. GRCh37 (hg19) VCF-style: chrX-64140061-C-T.
Other names: c.229G>A, p.Glu77Lys (NM_001178032.3, NM_001243804.2); c.298G>A, p.Glu100Lys (NM_001178033.3); short protein forms E100K, E77K.
Identifiers: ClinVar variation 2581749 (VCV002581749.1), dbSNP rs1929133562, ClinGen allele CA413411909.
Genomic context (GRCh38, chrX:64,920,181, plus strand): 5'-GCCTCTGCAGGCCCAGAGTCATGCGCAGGGCATCCACATGTTCTTTCAGTGGCTTATACT[C>T]ATCATGCAGCCTCCTTGTAGACTCTAGCAGCTTGTTTAGGTCATTCTCAGATTGTTTGAT-3'
Protein context (NP_061154.1, residues 90-110): LLESTRRLHD[Glu100Lys]YKPLKEHVDA

ClinVar aggregate classification (germline): Uncertain significance (1 of 4 stars; one submission).

Allele frequency attached by ClinVar (database versions not stated): TOPMed 0.00001.

Submission:

GeneDx
Classification: Uncertain significance. Last evaluated: 2023-09-26. Review status: criteria provided, single submitter. Criteria: GeneDx Variant Classification Process June 2021. Collection method: clinical testing. Allele origin: germline. Affected: yes.
Comment: Not observed at significant frequency in large population cohorts (gnomAD); In silico analysis supports that this missense variant has a deleterious effect on protein structure/function; Has not been previously published as pathogenic or benign to our knowledge